The following is an entry in ClinVar:

NM_001142800.2(EYS):c.7138T>C (p.Cys2380Arg)

Gene: EYS (EGF-like photoreceptor maintenance factor; minus strand). Cytogenetic location: 6q12.
Variant type: single nucleotide variant.
Coding change: c.7138T>C on transcript NM_001142800.2 (MANE Select); coding-DNA position 7138, T replaced by C.
Protein change: p.Cys2380Arg; replaces cysteine 2380 with arginine.
Molecular consequence: missense variant.
Genome position (GRCh38, 1-based): chr6:63,864,276, A>G on the plus strand (T>C on the coding strand, the complement: EYS is on the minus strand). VCF-style: chr6-63864276-A-G. GRCh37 (hg19) VCF-style: chr6-64574169-A-G.
Other names: c.7138T>C, p.Cys2380Arg (NM_001292009.2); short protein forms C2380R.
Identifiers: ClinVar variation 3768402 (VCV003768402.3).

ClinVar aggregate classification (germline): Uncertain significance. Review status: criteria provided, multiple submitters, no conflicts (2 of 4 stars). 3 submissions from 3 submitters: Uncertain significance (3). Last evaluated 2026-06-11.

Conditions:
Retinitis pigmentosa 25 (RP25). Identifiers: Orphanet 791, MedGen C1864446, MONDO:0011272, OMIM 602772.

gnomAD v4.1: 4 of 1,551,426 alleles (0.00026%); highest among the groups gnomAD compares: Admixed American, 0.0078%; no homozygotes.

Submissions (3):

Myriad Genetics, Inc.
Classification: Uncertain significance for Retinitis pigmentosa 25. Last evaluated: 2026-06-11. Review status: criteria provided, single submitter. Criteria: Myriad Autosomal Dominant, Autosomal Recessive and X-Linked Classification Criteria (2023). Collection method: clinical testing. Allele origin: unknown.
Comment: NM_001142800.1(EYS):c.7138T>C(C2380R) is a missense variant classified as a variant of uncertain significance in the context of retinitis pigmentosa, EYS-related. C2380R has been observed in a case with relevant disease (PMID: 33576794). Relevant functional assessments of this variant are not available in the literature. C2380R has been observed in referenced population frequency databases. In summary, there is insufficient evidence to classify NM_001142800.1(EYS):c.7138T>C(C2380R) as pathogenic or benign. Please note: this variant was assessed in the context of healthy population screening.

Women's Health and Genetics/Laboratory Corporation of America, LabCorp
Classification: Uncertain significance. Last evaluated: 2024-12-26. Review status: criteria provided, single submitter. Criteria: LabCorp Variant Classification Summary - May 2015. Collection method: clinical testing. Allele origin: germline.
Comment: Variant summary: EYS c.7138T>C (p.Cys2380Arg) results in a non-conservative amino acid change located in the EGF-like domain (IPR000742) of the encoded protein sequence. Five of five in-silico tools predict a damaging effect of the variant on protein function. The variant allele was found at a frequency of 1.3e-05 in 156564 control chromosomes. The available data on variant occurrences in the general population are insufficient to allow any conclusion about variant significance. c.7138T>C has been reported in the literature in at least one compound heterozygous individual affected with Retinitis Pigmentosa (Colombo_2021). These data do not allow any conclusion about variant significance. To our knowledge, no experimental evidence demonstrating an impact on protein function has been reported. The following publication has been ascertained in the context of this evaluation (PMID: 33576794). No submitters have cited clinical-significance assessments for this variant to ClinVar. Based on the evidence outlined above, the variant was classified as uncertain significance.

Blueprint Genetics
Classification: Uncertain significance. Last evaluated: 2021-09-27. Review status: criteria provided, single submitter. Criteria: ACMG Guidelines, 2015. Collection method: clinical testing. Allele origin: germline.

Literature cited by the submitters: PubMed 33576794 (cited by Myriad Genetics, Inc. and Women's Health and Genetics/Laboratory Corporation of America, LabCorp).